The following is an entry in ClinVar:

NM_030957.4(ADAMTS10):c.1045G>A (p.Asp349Asn)

Gene: ADAMTS10 (ADAM metallopeptidase with thrombospondin type 1 motif 10; minus strand). Cytogenetic location: 19p13.2.
Variant type: single nucleotide variant.
Coding change: c.1045G>A on transcript NM_030957.4 (MANE Select); coding-DNA position 1045, G replaced by A.
Protein change: p.Asp349Asn; replaces aspartic acid 349 with asparagine.
Molecular consequence: missense variant.
Genome position (GRCh38, 1-based): chr19:8,596,581, C>T on the plus strand (G>A on the coding strand, the complement: ADAMTS10 is on the minus strand). VCF-style: chr19-8596581-C-T. GRCh37 (hg19) VCF-style: chr19-8661465-C-T.
Other names: short protein forms D349N.
Identifiers: ClinVar variation 1460827 (VCV001460827.5), dbSNP rs782486176, ClinGen allele CA9160650.

ClinVar aggregate classification (germline): Uncertain significance (1 of 4 stars; one submission).

Allele frequency attached by ClinVar (database versions not stated): gnomAD exomes below 0.00001; ExAC 0.00001.

Submission:

Labcorp Genetics (formerly Invitae), Labcorp
Classification: Uncertain significance. Last evaluated: 2024-04-22. Review status: criteria provided, single submitter. Criteria: Invitae Variant Classification Sherloc (09022015). Collection method: clinical testing. Allele origin: germline.
Comment: This sequence change replaces aspartic acid, which is acidic and polar, with asparagine, which is neutral and polar, at codon 349 of the ADAMTS10 protein (p.Asp349Asn). This variant is present in population databases (rs782486176, gnomAD 0.0009%). This variant has not been reported in the literature in individuals affected with ADAMTS10-related conditions. ClinVar contains an entry for this variant (Variation ID: 1460827). An algorithm developed to predict the effect of missense changes on protein structure and function (PolyPhen-2) suggests that this variant is likely to be disruptive. In summary, the available evidence is currently insufficient to determine the role of this variant in disease. Therefore, it has been classified as a Variant of Uncertain Significance.